The following is an entry in ClinVar:

ClinVar aggregate classification (germline): Uncertain significance (1 of 4 stars; one submission).

Conditions:
Microcephaly, normal intelligence and immunodeficiency (NBS). Also called: Immunodeficiency, microcephaly with normal intelligence; Ataxia telangiectasia variant V1; IMMUNODEFICIENCY, MICROCEPHALY, AND CHROMOSOMAL INSTABILITY; BERLIN BREAKAGE SYNDROME; SEEMANOVA SYNDROME II; Nijmegen breakage syndrome. Identifiers: Orphanet 647, MedGen C0398791, MONDO:0009623, OMIM 251260.

Submission:

Labcorp Genetics (formerly Invitae), Labcorp
Classification: Uncertain significance for Microcephaly, normal intelligence and immunodeficiency. Last evaluated: 2018-01-09. Review status: criteria provided, single submitter. Criteria: Invitae Variant Classification Sherloc (09022015). Collection method: clinical testing. Allele origin: germline.
Comment: A gross duplication of the genomic region encompassing the full coding sequence of the NBN gene has been identified. The boundaries of this event are unknown as the duplication extends beyond the assayed region for this gene and therefore may encompass additional genes. As the precise location of this duplication is unknown, it may be in tandem or it may be located elsewhere in the genome. This variant has not been reported in the literature in individuals with NBN-related disease. Experimental studies are not available for this duplciation, and the functional significance of the FLCN gene gain is currently unknown. In summary, the available evidence is currently insufficient to determine the role of this variant in disease. Therefore, it has been classified as a Variant of Uncertain Significance.

NC_000008.10:g.(?_90993597)_(90996795_?)dup

Genes: NBN (nibrin; minus strand), LOC130000714 (ATAC-STARR-seq lymphoblastoid active region 27608; plus strand). Cytogenetic location: 8q21.3.
Variant type: Duplication.
Identifiers: ClinVar variation 530783 (VCV000530783.1).